The following is an entry in ClinVar:

ClinVar aggregate classification (germline): Likely benign (1 of 4 stars; one submission).

Conditions:
Arrhythmogenic cardiomyopathy with wooly hair and keratoderma. Also called: PALMOPLANTAR KERATODERMA WITH LEFT VENTRICULAR CARDIOMYOPATHY AND WOOLLY HAIR; Carvajal syndrome; Dilated cardiomyopathy with woolly hair and keratoderma; Arrhythmogenic cardiomyopathy with woolly hair and keratoderma. Identifiers: Orphanet 65282, MedGen C1854063, MONDO:0011581, OMIM 605676.

Submission:

All of Us Research Program, National Institutes of Health
Classification: Likely benign for Arrhythmogenic cardiomyopathy with wooly hair and keratoderma. Last evaluated: 2023-06-26. Review status: criteria provided, single submitter. Criteria: ACMG Guidelines, 2015. Collection method: clinical testing. Allele origin: germline. Inheritance: Autosomal dominant inheritance. Observed: 1 variant allele, 1 heterozygote.
Comment: This study involves interpretation of variants in research participants for the purpose of population health screening. Participant phenotype was not available at the time of variant classification. Additional details can be found in publication PMID: 35346344, PMCID: PMC8962531

NM_004415.4(DSP):c.313C>A (p.Arg105=)

Gene: DSP (desmoplakin; plus strand). Cytogenetic location: 6p24.3.
Variant type: single nucleotide variant.
Coding change: c.313C>A on transcript NM_004415.4 (MANE Select); coding-DNA position 313, C replaced by A.
Protein change: p.Arg105=; no amino-acid change (arginine 105 retained).
Molecular consequence: synonymous variant.
Genome position (GRCh38, 1-based): chr6:7,558,155, C>A. VCF-style: chr6-7558155-C-A. GRCh37 (hg19) VCF-style: chr6-7558388-C-A.
Other names: c.313C>A, p.Arg105= (NM_001008844.3, NM_001319034.2, NM_001406591.1).
Identifiers: ClinVar variation 3071931 (VCV003071931.1), dbSNP rs1435125402, ClinGen allele CA448511741.